The following is an entry in ClinVar:

NM_001077653.2(TBX20):c.440T>C (p.Ile147Thr)

Gene: TBX20 (T-box transcription factor 20; minus strand). Cytogenetic location: 7p14.2.
Variant type: single nucleotide variant.
Coding change: c.440T>C on transcript NM_001077653.2 (MANE Select); coding-DNA position 440, T replaced by C.
Protein change: p.Ile147Thr; replaces isoleucine 147 with threonine.
Molecular consequence: missense variant.
Genome position (GRCh38, 1-based): chr7:35,248,782, A>G on the plus strand (T>C on the coding strand, the complement: TBX20 is on the minus strand). VCF-style: chr7-35248782-A-G. GRCh37 (hg19) VCF-style: chr7-35288394-A-G.
Other names: c.440T>C, p.Ile147Thr (NM_001166220.1); short protein forms I147T.
Identifiers: ClinVar variation 1212433 (VCV001212433.9), dbSNP rs1231431724, ClinGen allele CA367264737.
Genomic context (GRCh38, chr7:35,248,782, plus strand): 5'-GACCGGTGGTAGGCGTAGCGGTACCTCTTGTTGTCCACAGGGACGATGTCCATCAGGACT[A>G]TGTACTTGGCCTCAGGATCCACCCCCGAAAAGGACACCCGGATGGTTGGAAACATCCTCC-3'
Protein context (NP_001071121.1, residues 137-157): FSGVDPEAKY[Ile147Thr]VLMDIVPVDN

ClinVar aggregate classification (germline): Uncertain significance. Review status: criteria provided, multiple submitters, no conflicts (2 of 4 stars). 5 submissions from 5 submitters: Uncertain significance (5). Last evaluated 2024-09-17.

Conditions:
Cardiovascular phenotype. Identifiers: MedGen CN230736.

Allele frequency attached by ClinVar (database versions not stated): gnomAD exomes below 0.00001 and 0.00001.
gnomAD v4.1: 12 of 1,614,170 alleles (0.00074%); highest among the groups gnomAD compares: Non-Finnish European, 0.001%; no homozygotes.

Submissions (5):

Ambry Genetics
Classification: Uncertain significance for Cardiovascular phenotype. Last evaluated: 2024-09-17. Review status: criteria provided, single submitter. Criteria: Ambry Variant Classification Scheme 2023. Collection method: clinical testing. Allele origin: germline.
Comment: The p.I147T variant (also known as c.440T>C), located in coding exon 3 of the TBX20 gene, results from a T to C substitution at nucleotide position 440. The isoleucine at codon 147 is replaced by threonine, an amino acid with similar properties. This amino acid position is conserved. In addition, this alteration is predicted to be deleterious by in silico analysis. Based on the available evidence, the clinical significance of this variant remains unclear.

Labcorp Genetics (formerly Invitae), Labcorp
Classification: Uncertain significance. Last evaluated: 2024-04-27. Review status: criteria provided, single submitter. Criteria: Invitae Variant Classification Sherloc (09022015). Collection method: clinical testing. Allele origin: germline.
Comment: This sequence change replaces isoleucine, which is neutral and non-polar, with threonine, which is neutral and polar, at codon 147 of the TBX20 protein (p.Ile147Thr). This variant is present in population databases (no rsID available, gnomAD 0.0009%). This variant has not been reported in the literature in individuals affected with TBX20-related conditions. ClinVar contains an entry for this variant (Variation ID: 1212433). Advanced modeling of protein sequence and biophysical properties (such as structural, functional, and spatial information, amino acid conservation, physicochemical variation, residue mobility, and thermodynamic stability) performed at Invitae indicates that this missense variant is not expected to disrupt TBX20 protein function with a negative predictive value of 80%. In summary, the available evidence is currently insufficient to determine the role of this variant in disease. Therefore, it has been classified as a Variant of Uncertain Significance.

Clinical Genetics Laboratory, Skane University Hospital Lund
Classification: Uncertain significance. Last evaluated: 2023-09-13. Review status: criteria provided, single submitter. Criteria: ACMG Guidelines, 2015. Collection method: clinical testing. Allele origin: germline. Affected: yes.

GeneDx
Classification: Uncertain significance. Last evaluated: 2023-02-09. Review status: criteria provided, single submitter. Criteria: GeneDx Variant Classification Process June 2021. Collection method: clinical testing. Allele origin: germline. Affected: yes.
Comment: Has not been previously published as pathogenic or benign to our knowledge; In silico analysis supports that this missense variant does not alter protein structure/function; Not observed at significant frequency in large population cohorts (gnomAD)

Blueprint Genetics
Classification: Uncertain significance. Last evaluated: 2021-12-29. Review status: criteria provided, single submitter. Criteria: ACMG Guidelines, 2015. Collection method: clinical testing. Allele origin: germline.